The following is an entry in ClinVar:

ClinVar aggregate classification (germline): Uncertain significance (1 of 4 stars; one submission).

Conditions:
Familial thoracic aortic aneurysm and aortic dissection (TAAD). Also called: Thoracic aortic aneurysms and dissections. Identifiers: Orphanet 91387, MedGen C4707243, MONDO:0019625.

Submission:

Color Diagnostics, LLC DBA Color Health
Classification: Uncertain significance for Familial thoracic aortic aneurysm and aortic dissection. Last evaluated: 2024-12-23. Review status: criteria provided, single submitter. Criteria: ACMG Guidelines, 2015. Collection method: clinical testing. Allele origin: germline.
Comment: This missense variant replaces glutamine with glutamic acid at codon 1772 of the MYH11 protein. Computational prediction suggests that this variant may not impact protein structure and function. To our knowledge, functional studies have not been reported for this variant. This variant has not been reported in individuals affected with MYH11-related disorders in the literature. This variant has not been identified in the general population by the Genome Aggregation Database (gnomAD). The available evidence is insufficient to determine the role of this variant in disease conclusively. Therefore, this variant is classified as a Variant of Uncertain Significance.

NM_002474.3(MYH11):c.5293C>G (p.Gln1765Glu)

Genes: MYH11 (myosin heavy chain 11; minus strand), NDE1 (nudE neurodevelopment protein 1; plus strand). Cytogenetic location: 16p13.11.
Variant type: single nucleotide variant.
Coding change: c.5293C>G on transcript NM_002474.3 (MANE Select); coding-DNA position 5293, C replaced by G.
Protein change: p.Gln1765Glu; replaces glutamine 1765 with glutamic acid.
Molecular consequence: missense variant. On other transcripts: intron variant (2).
Genome position (GRCh38, 1-based): chr16:15,718,317, G>C on the plus strand (C>G on the coding strand, the complement: MYH11 is on the minus strand). VCF-style: chr16-15718317-G-C. GRCh37 (hg19) VCF-style: chr16-15812174-G-C.
Other names: c.5314C>G, p.Gln1772Glu (NM_001040113.2, NM_001040114.2); c.5293C>G, p.Gln1765Glu (NM_022844.3); c.948-5874G>C (NM_001143979.2, NM_017668.3); short protein forms Q1765E, Q1772E.
Identifiers: ClinVar variation 3893897 (VCV003893897.1).